The following is an entry in ClinVar:

ClinVar aggregate classification (germline): Likely benign. Review status: criteria provided, multiple submitters, no conflicts (2 of 4 stars). 3 submissions from 3 submitters: Likely benign (3). Last evaluated 2025-05-26.

Allele frequency attached by ClinVar (database versions not stated): ExAC 0.00001.

Submissions (3):

Labcorp Genetics (formerly Invitae), Labcorp
Classification: Likely benign. Last evaluated: 2025-05-26. Review status: criteria provided, single submitter. Criteria: Invitae Variant Classification Sherloc (09022015). Collection method: clinical testing. Allele origin: germline.

CeGaT Center for Human Genetics Tuebingen
Classification: Likely benign. Last evaluated: 2023-01-01. Review status: criteria provided, single submitter. Criteria: CeGaT Center For Human Genetics Tuebingen Variant Classification Criteria Version 2. Collection method: clinical testing. Allele origin: germline. Affected: yes. Observed: 2 variant alleles.
Comment: ARID1B: BP4, BP7

Blueprint Genetics
Classification: Likely benign. Last evaluated: 2021-06-25. Review status: criteria provided, single submitter. Criteria: ACMG Guidelines, 2015. Collection method: clinical testing. Allele origin: germline.

NM_001374828.1(ARID1B):c.3645C>T (p.Ala1215=)

Gene: ARID1B (AT-rich interaction domain 1B; plus strand). Cytogenetic location: 6q25.3.
Variant type: single nucleotide variant.
Coding change: c.3645C>T on transcript NM_001374828.1 (MANE Select); coding-DNA position 3645, C replaced by T.
Protein change: p.Ala1215=; no amino-acid change (alanine 1215 retained).
Molecular consequence: synonymous variant.
Genome position (GRCh38, 1-based): chr6:157,181,109, C>T. VCF-style: chr6-157181109-C-T. GRCh37 (hg19) VCF-style: chr6-157502243-C-T.
Other names: c.3396C>T, p.Ala1132= (NM_001346813.1); c.1146C>T, p.Ala382= (NM_001363725.2); c.3525C>T, p.Ala1175= (NM_001371656.1, NM_001374820.1); c.3486C>T, p.Ala1162= (NM_017519.3); c.3276C>T, p.Ala1092= (NM_020732.3); c.3063C>T, p.Ala1021= (NM_175863.2).
Identifiers: ClinVar variation 2657062 (VCV002657062.27), dbSNP rs746210543, ClinGen allele CA4067364.